The following is an entry in ClinVar:

ClinVar aggregate classification (germline): Uncertain significance (1 of 4 stars; one submission).

Submission:

Labcorp Genetics (formerly Invitae), Labcorp
Classification: Uncertain significance. Last evaluated: 2019-08-23. Review status: criteria provided, single submitter. Criteria: Invitae Variant Classification Sherloc (09022015). Collection method: clinical testing. Allele origin: germline.
Comment: In summary, the available evidence is currently insufficient to determine the role of this variant in disease. Therefore, it has been classified as a Variant of Uncertain Significance. Algorithms developed to predict the effect of missense changes on protein structure and function are either unavailable or do not agree on the potential impact of this missense change (SIFT: "Tolerated"; PolyPhen-2: "Probably Damaging"; Align-GVGD: "Class C0"). This variant has not been reported in the literature in individuals with LRRC10-related conditions. This variant is not present in population databases (ExAC no frequency). This sequence change replaces aspartic acid with histidine at codon 61 of the LRRC10 protein (p.Asp61His). The aspartic acid residue is moderately conserved and there is a moderate physicochemical difference between aspartic acid and histidine.

NM_201550.4(LRRC10):c.181G>C (p.Asp61His)

Gene: LRRC10 (leucine rich repeat containing 10; minus strand). Cytogenetic location: 12q15.
Variant type: single nucleotide variant.
Coding change: c.181G>C on transcript NM_201550.4 (MANE Select); coding-DNA position 181, G replaced by C.
Protein change: p.Asp61His; replaces aspartic acid 61 with histidine.
Molecular consequence: missense variant.
Genome position (GRCh38, 1-based): chr12:69,610,658, C>G on the plus strand (G>C on the coding strand, the complement: LRRC10 is on the minus strand). VCF-style: chr12-69610658-C-G. GRCh37 (hg19) VCF-style: chr12-70004438-C-G.
Other names: short protein forms D61H.
Identifiers: ClinVar variation 937953 (VCV000937953.9), dbSNP rs775173428, ClinGen allele CA239126969.